The following is an entry in ClinVar:

ClinVar aggregate classification (germline): Uncertain significance (1 of 4 stars; one submission).

Submission:

Ambry Genetics
Classification: Uncertain significance. Last evaluated: 2024-11-11. Review status: criteria provided, single submitter. Criteria: Ambry Variant Classification Scheme 2023. Collection method: clinical testing. Allele origin: germline.
Comment: The p.G1108R variant (also known as c.3322G>A), located in coding exon 4 of the ALPK2 gene, results from a G to A substitution at nucleotide position 3322. The glycine at codon 1108 is replaced by arginine, an amino acid with dissimilar properties. This amino acid position is conserved. In addition, this alteration is predicted to be tolerated by in silico analysis. Since supporting evidence is limited at this time, the clinical significance of this alteration remains unclear.

NM_052947.4(ALPK2):c.3322G>A (p.Gly1108Arg)

Gene: ALPK2 (alpha kinase 2; minus strand). Cytogenetic location: 18q21.31.
Variant type: single nucleotide variant.
Coding change: c.3322G>A on transcript NM_052947.4 (MANE Select); coding-DNA position 3322, G replaced by A.
Protein change: p.Gly1108Arg; replaces glycine 1108 with arginine.
Molecular consequence: missense variant.
Genome position (GRCh38, 1-based): chr18:58,536,865, C>T on the plus strand (G>A on the coding strand, the complement: ALPK2 is on the minus strand). VCF-style: chr18-58536865-C-T. GRCh37 (hg19) VCF-style: chr18-56204097-C-T.
Other names: short protein forms G1108R.
Identifiers: ClinVar variation 1730216 (VCV001730216.3), dbSNP rs1469023669, ClinGen allele CA402568632.